The following is an entry in ClinVar:

NM_177438.3(DICER1):c.3304_3311delinsT (p.Ile1102fs)

Gene: DICER1 (dicer 1, ribonuclease III; minus strand). Cytogenetic location: 14q32.13.
Variant type: Indel.
Coding change: c.3304_3311delinsT on transcript NM_177438.3 (MANE Select); coding-DNA positions 3304 to 3311, ATTGACAG replaced by T.
Protein change: p.Ile1102fs; shifts the reading frame from isoleucine 1102.
Molecular consequence: frameshift variant.
Genome position (GRCh38, 1-based): chr14:95,104,085-95,104,092, CTGTCAAT replaced by A on the plus strand (ATTGACAG replaced by T on the coding strand, the reverse complement: DICER1 is on the minus strand). VCF-style: chr14-95104085-CTGTCAAT-A. GRCh37 (hg19) VCF-style: chr14-95570422-CTGTCAAT-A.
Other names: c.3304_3311delATTGACAGinsT (NM_177438.2); c.3304_3311delinsT, p.Ile1102fs (NM_001195573.1, NM_001271282.3, NM_001291628.2 and 1 more transcripts); short protein forms I1102fs.
Identifiers: ClinVar variation 968605 (VCV000968605.9), dbSNP rs1891190597, ClinGen allele CA1139663634.

ClinVar aggregate classification (germline): Pathogenic/Likely pathogenic. Review status: criteria provided, multiple submitters, no conflicts (2 of 4 stars). 3 submissions from 3 submitters: Pathogenic (2); Likely pathogenic (1). Last evaluated 2025-02-03.

Conditions:
DICER1-related tumor predisposition. Also called: DICER1-related pleuropulmonary blastoma cancer predisposition syndrome; DICER1 syndrome. Identifiers: Orphanet 284343, MedGen C3839822, MONDO:0100216.
Hereditary cancer-predisposing syndrome. Also called: Hereditary neoplastic syndrome; Hereditary Cancer Syndrome; Tumor predisposition; Neoplastic Syndromes, Hereditary. Identifiers: Orphanet 140162, MedGen C0027672, MeSH D009386, MONDO:0015356.

Submissions (3):

Labcorp Genetics (formerly Invitae), Labcorp
Classification: Pathogenic for DICER1-related tumor predisposition. Last evaluated: 2025-02-03. Review status: criteria provided, single submitter. Criteria: Invitae Variant Classification Sherloc (09022015). Collection method: clinical testing. Allele origin: germline.
Comment: This sequence change creates a premature translational stop signal (p.Ile1102Serfs*40) in the DICER1 gene. It is expected to result in an absent or disrupted protein product. Loss-of-function variants in DICER1 are known to be pathogenic (PMID: 19556464, 21266384). This variant is not present in population databases (gnomAD no frequency). This variant has not been reported in the literature in individuals affected with DICER1-related conditions. For these reasons, this variant has been classified as Pathogenic.

Institute for Genomic Medicine (IGM) Clinical Laboratory, Nationwide Children's Hospital
Classification: Likely pathogenic for DICER1-related tumor predisposition. Last evaluated: 2024-06-21. Review status: criteria provided, single submitter. Criteria: ACMG Guidelines, 2015. Collection method: clinical testing. Allele origin: germline.
Comment: This variant is predicted to result in loss of function through nonsense-mediated decay of the encoded transcript or premature truncation of the encoded protein in a gene in which loss of function is a known mechanism of disease (ACMG/AMP: PVS1; PMIDs:28960912, 25022261, 19556464, 21266384). This variant is absent from or present at an exceedingly low frequency in gnomAD, a large-scale control population database (ACMG/AMP: PM2).

Ambry Genetics
Classification: Pathogenic for Hereditary cancer-predisposing syndrome. Last evaluated: 2020-02-10. Review status: criteria provided, single submitter. Criteria: Ambry Variant Classification Scheme 2023. Collection method: clinical testing. Allele origin: germline.
Comment: The c.3304_3311delATTGACAGinsT pathogenic mutation, located in coding exon 20 of the DICER1 gene, results from the deletion of 8 nucleotides and insertion of one nucleotide causing a translational frameshift with a predicted alternate stop codon (p.I1102Sfs*40). This alteration is expected to result in loss of function by premature protein truncation or nonsense-mediated mRNA decay. As such, this alteration is interpreted as a disease-causing mutation.

Literature cited by the submitters: PubMed 19556464 (cited by Labcorp Genetics (formerly Invitae), Labcorp and Institute for Genomic Medicine (IGM) Clinical Laboratory, Nationwide Children's Hospital); PubMed 21266384 (cited by Labcorp Genetics (formerly Invitae), Labcorp and Institute for Genomic Medicine (IGM) Clinical Laboratory, Nationwide Children's Hospital); PubMed 28960912 (cited by Institute for Genomic Medicine (IGM) Clinical Laboratory, Nationwide Children's Hospital); PubMed 25022261 (cited by Institute for Genomic Medicine (IGM) Clinical Laboratory, Nationwide Children's Hospital).